The following is an entry in ClinVar:

ClinVar aggregate classification (germline): Conflicting classifications of pathogenicity. Review status: criteria provided, conflicting classifications (1 of 4 stars). 8 submissions from 8 submitters: Uncertain significance (1); Benign (1); Likely benign (6). Last evaluated 2026-06-01.

Conditions:
Hereditary cancer-predisposing syndrome. Also called: Tumor predisposition; Neoplastic Syndromes, Hereditary; Hereditary Cancer Syndrome; Hereditary neoplastic syndrome. Identifiers: Orphanet 140162, MedGen C0027672, MeSH D009386, MONDO:0015356.
Hereditary diffuse gastric adenocarcinoma (HDGC). Also called: DIFFUSE GASTRIC AND LOBULAR BREAST CANCER SYNDROME. Identifiers: Orphanet 26106, MedGen C1708349, MONDO:0007648, OMIM 137215.

Allele frequency attached by ClinVar (database versions not stated): TOPMed 0.00001; gnomAD 0.00002.
gnomAD v4.1: 17 of 1,614,078 alleles (0.0011%); highest among the groups gnomAD compares: Non-Finnish European, 0.0014%; no homozygotes.

Submissions (8):

CeGaT Center for Human Genetics Tuebingen
Classification: Likely benign. Last evaluated: 2026-06-01. Review status: criteria provided, single submitter. Criteria: CeGaT Center For Human Genetics Tuebingen Variant Classification Criteria Version 2. Collection method: clinical testing. Allele origin: germline. Affected: yes. Observed: 2 variant alleles.
Comment: CDH1: BP4, BP7

Labcorp Genetics (formerly Invitae), Labcorp
Classification: Likely benign for Hereditary diffuse gastric adenocarcinoma. Last evaluated: 2025-10-26. Review status: criteria provided, single submitter. Criteria: Invitae Variant Classification Sherloc (09022015). Collection method: clinical testing. Allele origin: germline.

Myriad Genetics, Inc.
Classification: Benign for Hereditary diffuse gastric adenocarcinoma. Last evaluated: 2024-09-19. Review status: criteria provided, single submitter. Criteria: Myriad Autosomal Dominant, Autosomal Recessive and X-Linked Classification Criteria (2023). Collection method: clinical testing. Allele origin: unknown.
Comment: This variant is considered benign. This variant is a silent/synonymous amino acid change and it is not expected to impact splicing.

European Reference Network on Genetic Tumour Risk Syndromes (ERN-GENTURIS), i3s - Instituto de Investigação e Inovação em Saúde, University of Porto
Classification: Uncertain significance for Hereditary diffuse gastric adenocarcinoma. Last evaluated: 2022-08-01. Review status: criteria provided, single submitter. Criteria: Lee et al. (Hum Mutat. 2018). Collection method: clinical testing. Allele origin: germline. Inheritance: Autosomal dominant inheritance. Affected: no. Study: ERN GENTURIS.
Comment: PM2 (PMID: 30311375)

Sema4
Classification: Likely benign for Hereditary cancer-predisposing syndrome. Last evaluated: 2021-11-22. Review status: criteria provided, single submitter. Criteria: Sema4 Curation Guidelines. Collection method: curation. Allele origin: germline.

Color Diagnostics, LLC DBA Color Health
Classification: Likely benign for Hereditary cancer-predisposing syndrome. Last evaluated: 2018-11-26. Review status: criteria provided, single submitter. Criteria: ACMG Guidelines, 2015. Collection method: clinical testing. Allele origin: germline.

GeneDx
Classification: Likely benign. Last evaluated: 2018-03-28. Review status: criteria provided, single submitter. Criteria: GeneDx Variant Classification Process June 2021. Collection method: clinical testing. Allele origin: germline. Affected: yes.

Ambry Genetics
Classification: Likely benign for Hereditary cancer-predisposing syndrome. Last evaluated: 2015-07-28. Review status: criteria provided, single submitter. Criteria: Ambry Variant Classification Scheme 2023. Collection method: clinical testing. Allele origin: germline.

Literature cited by the submitters: PubMed 36436516 (cited by European Reference Network on Genetic Tumour Risk Syndromes (ERN-GENTURIS), i3s - Instituto de Investigação e Inovação em Saúde, University of Porto).

NM_004360.5(CDH1):c.1572G>C (p.Arg524=)

Gene: CDH1 (cadherin 1; plus strand). Cytogenetic location: 16q22.1.
Variant type: single nucleotide variant.
Coding change: c.1572G>C on transcript NM_004360.5 (MANE Select); coding-DNA position 1572, G replaced by C.
Protein change: p.Arg524=; no amino-acid change (arginine 524 retained).
Molecular consequence: synonymous variant. On other transcripts: intron variant (1).
Genome position (GRCh38, 1-based): chr16:68,819,286, G>C. VCF-style: chr16-68819286-G-C. GRCh37 (hg19) VCF-style: chr16-68853189-G-C.
Other names: c.1572G>C (LRG_301t1); c.1389G>C, p.Arg463= (NM_001317184.2); c.24G>C, p.Arg8= (NM_001317185.2); c.-254-2715G>C (NM_001317186.2).
Identifiers: ClinVar variation 183824 (VCV000183824.41), dbSNP rs771419468, ClinGen allele CA186625.